The following is an entry in ClinVar:

ClinVar aggregate classification (germline): Likely benign. Review status: criteria provided, multiple submitters, no conflicts (2 of 4 stars). 2 submissions from 2 submitters: Likely benign (2). Last evaluated 2026-06-01.

Conditions:
Inborn genetic diseases. Identifiers: MedGen C0950123, MeSH D030342.

Allele frequency attached by ClinVar (database versions not stated): ExAC 0.00003; gnomAD 0.00003; TOPMed 0.00003; gnomAD exomes 0.00008.
gnomAD v4.1: 116 of 1,614,122 alleles (0.0072%); highest among the groups gnomAD compares: Non-Finnish European, 0.0098%; no homozygotes.

Submissions (2):

CeGaT Center for Human Genetics Tuebingen
Classification: Likely benign. Last evaluated: 2026-06-01. Review status: criteria provided, single submitter. Criteria: CeGaT Center For Human Genetics Tuebingen Variant Classification Criteria Version 2. Collection method: clinical testing. Allele origin: germline. Affected: yes. Observed: 1 variant allele.
Comment: POGZ: BP4

Ambry Genetics
Classification: Likely benign for Inborn genetic diseases. Last evaluated: 2021-05-19. Review status: criteria provided, single submitter. Criteria: Ambry Variant Classification Scheme 2023. Collection method: clinical testing. Allele origin: germline.

NM_015100.4(POGZ):c.3931G>A (p.Val1311Ile)

Gene: POGZ (pogo transposable element derived with ZNF domain; minus strand). Cytogenetic location: 1q21.3.
Variant type: single nucleotide variant.
Coding change: c.3931G>A on transcript NM_015100.4 (MANE Select); coding-DNA position 3931, G replaced by A.
Protein change: p.Val1311Ile; replaces valine 1311 with isoleucine.
Molecular consequence: missense variant.
Genome position (GRCh38, 1-based): chr1:151,405,104, C>T on the plus strand (G>A on the coding strand, the complement: POGZ is on the minus strand). VCF-style: chr1-151405104-C-T. GRCh37 (hg19) VCF-style: chr1-151377580-C-T.
Other names: c.3772G>A, p.Val1258Ile (NM_207171.2); c.3904G>A, p.Val1302Ile (NM_001194937.2); c.3745G>A, p.Val1249Ile (NM_001194938.2); c.3952G>A, p.Val1318Ile (NM_001410860.1); c.3646G>A, p.Val1216Ile (NM_145796.4); short protein forms V1216I, V1318I, V1258I, V1311I, V1302I, V1249I.
Identifiers: ClinVar variation 2392315 (VCV002392315.4), dbSNP rs755307314, ClinGen allele CA1090892.